The following is an entry in ClinVar:

ClinVar aggregate classification (germline): Uncertain significance (1 of 4 stars; one submission).

Conditions:
Hereditary cancer-predisposing syndrome. Also called: Hereditary Cancer Syndrome; Hereditary neoplastic syndrome; Tumor predisposition; Neoplastic Syndromes, Hereditary. Identifiers: Orphanet 140162, MedGen C0027672, MeSH D009386, MONDO:0015356.

Submission:

Ambry Genetics
Classification: Uncertain significance for Hereditary cancer-predisposing syndrome. Last evaluated: 2024-07-18. Review status: criteria provided, single submitter. Criteria: Ambry Variant Classification Scheme 2023. Collection method: clinical testing. Allele origin: germline.
Comment: The p.I319R variant (also known as c.956T>G), located in coding exon 6 of the KIT gene, results from a T to G substitution at nucleotide position 956. The isoleucine at codon 319 is replaced by arginine, an amino acid with similar properties. This amino acid position is conserved. In addition, this alteration is predicted to be tolerated by in silico analysis. Based on the available evidence, the clinical significance of this variant remains unclear.

NM_000222.3(KIT):c.956T>G (p.Ile319Arg)

Gene: KIT (KIT proto-oncogene, receptor tyrosine kinase; plus strand). Cytogenetic location: 4q12.
Variant type: single nucleotide variant.
Coding change: c.956T>G on transcript NM_000222.3 (MANE Select); coding-DNA position 956, T replaced by G.
Protein change: p.Ile319Arg; replaces isoleucine 319 with arginine.
Molecular consequence: missense variant.
Genome position (GRCh38, 1-based): chr4:54,707,128, T>G. VCF-style: chr4-54707128-T-G. GRCh37 (hg19) VCF-style: chr4-55573294-T-G.
Other names: c.956T>G, p.Ile319Arg (NM_001093772.2, NM_001385285.1, NM_001385286.1); c.959T>G, p.Ile320Arg (NM_001385284.1, NM_001385288.1, NM_001385290.1 and 1 more transcripts); short protein forms I320R, I319R.
Identifiers: ClinVar variation 3534686 (VCV003534686.1).